The following is an entry in ClinVar:

ClinVar aggregate classification (germline): Uncertain significance (1 of 4 stars; one submission).

Conditions:
Familial cancer of breast. Also called: BREAST CANCER, FAMILIAL; Hereditary breast cancer; hereditary breast carcinoma. Identifiers: Orphanet 227535, MedGen C0346153, MONDO:0016419, OMIM 114480. Disease mechanism: loss of function.

Submission:

Labcorp Genetics (formerly Invitae), Labcorp
Classification: Uncertain significance for Familial cancer of breast. Last evaluated: 2020-07-10. Review status: criteria provided, single submitter. Criteria: Invitae Variant Classification Sherloc (09022015). Collection method: clinical testing. Allele origin: germline.
Comment: In summary, the available evidence is currently insufficient to determine the role of this variant in disease. Therefore, it has been classified as a Variant of Uncertain Significance. Experimental studies and prediction algorithms are not available or were not evaluated, and the functional significance of this variant is currently unknown. This variant has not been reported in the literature in individuals with BARD1-related conditions. This variant is not present in population databases (ExAC no frequency). This variant, c.248_262del, results in the deletion of 6 amino acid(s) and insertion of one amino cid in the BARD1 protein (p.Cys83_Thr88delinsSer), but otherwise preserves the integrity of the reading frame.

NM_000465.4(BARD1):c.248_262del (p.Cys83_Thr88delinsSer)

Gene: BARD1 (BRCA1 associated RING domain 1; minus strand). Cytogenetic location: 2q35.
Variant type: Deletion.
Coding change: c.248_262del on transcript NM_000465.4 (MANE Select); coding-DNA positions 248 to 262, 15 bases deleted (GTCCAGTGTGTTACA).
Protein change: p.Cys83_Thr88delinsSer.
Molecular consequence: inframe indel. On other transcripts: non-coding transcript variant (1), intron variant (2).
Genome position (GRCh38, 1-based): chr2:214,792,399-214,792,413, TGTAACACACTGGAC deleted on the plus strand (GTCCAGTGTGTTACA on the coding strand, the reverse complement: BARD1 is on the minus strand). VCF-style (leftmost placement, unchanged base first): chr2-214792398-GTGTAACACACTGGAC-G. GRCh37 (hg19) VCF-style: chr2-215657122-GTGTAACACACTGGAC-G.
Other names: c.191_205del, p.Cys64_Thr69delinsSer (NM_001282543.2); c.248_262del, p.Cys83_Thr88delinsSer (NM_001282549.2); c.158+16999_158+17013del (NM_001282548.2); c.215+4648_215+4662del (NM_001282545.2).
Identifiers: ClinVar variation 1015028 (VCV001015028.9), dbSNP rs1695564417, ClinGen allele CA1327076717.